The following is an entry in ClinVar:

NM_015570.4(AUTS2):c.2693C>T (p.Ser898Leu)

Gene: AUTS2 (activator of transcription and developmental regulator AUTS2; plus strand). Cytogenetic location: 7q11.22.
Variant type: single nucleotide variant.
Coding change: c.2693C>T on transcript NM_015570.4 (MANE Select); coding-DNA position 2693, C replaced by T.
Protein change: p.Ser898Leu; replaces serine 898 with leucine.
Molecular consequence: missense variant.
Genome position (GRCh38, 1-based): chr7:70,789,909, C>T. VCF-style: chr7-70789909-C-T. GRCh37 (hg19) VCF-style: chr7-70254895-C-T.
Other names: c.2621C>T, p.Ser874Leu (NM_001127231.3); short protein forms S874L, S898L.
Identifiers: ClinVar variation 3352019 (VCV003352019.1).
Genomic context (GRCh38, chr7:70,789,909, plus strand): 5'-CTCATCTGAACACTGAGGCTCGGGAGAAGGACAAACCCAAAGAGAGGGAGAGAGACCACT[C>T]GGAATCCCGCAAGGACCTGGCCGCCGACGAGCACAAGGCGAAAGAGGGCCACCTGCCCGA-3'
Protein context (NP_056385.1, residues 888-908): DKPKERERDH[Ser898Leu]ESRKDLAADE

ClinVar aggregate classification (germline): Likely benign (0 of 4 stars; one submission).

Conditions:
AUTS2-related disorder. Also called: AUTS2-related condition.

gnomAD v4.1: 10 of 1,613,942 alleles (0.00062%); highest among the groups gnomAD compares: Admixed American, 0.005%; no homozygotes.

Submission:

PreventionGenetics, part of Exact Sciences
Classification: Likely benign for AUTS2-related condition. Last evaluated: 2024-05-01. Review status: no assertion criteria provided. Collection method: clinical testing. Allele origin: germline.
Comment: This variant is classified as likely benign based on ACMG/AMP sequence variant interpretation guidelines (Richards et al. 2015 PMID: 25741868, with internal and published modifications).